The following is an entry in ClinVar:

NM_004380.3(CREBBP):c.1666G>C (p.Gly556Arg)

Gene: CREBBP (CREB binding protein; minus strand). Cytogenetic location: 16p13.3.
Variant type: single nucleotide variant.
Coding change: c.1666G>C on transcript NM_004380.3 (MANE Select); coding-DNA position 1666, G replaced by C.
Protein change: p.Gly556Arg; replaces glycine 556 with arginine.
Molecular consequence: missense variant.
Genome position (GRCh38, 1-based): chr16:3,781,214, C>G on the plus strand (G>C on the coding strand, the complement: CREBBP is on the minus strand). VCF-style: chr16-3781214-C-G. GRCh37 (hg19) VCF-style: chr16-3831215-C-G.
Other names: c.1552G>C, p.Gly518Arg (NM_001079846.1); short protein forms G518R, G556R.
Identifiers: ClinVar variation 2444626 (VCV002444626.1), dbSNP rs2141247188, ClinGen allele CA394556793.

ClinVar aggregate classification (germline): Uncertain significance (1 of 4 stars; one submission).

Submission:

GeneDx
Classification: Uncertain significance. Last evaluated: 2022-09-18. Review status: criteria provided, single submitter. Criteria: GeneDx Variant Classification Process June 2021. Collection method: clinical testing. Allele origin: germline. Affected: yes.
Comment: Has not been previously published as pathogenic or benign to our knowledge; Not observed at significant frequency in large population cohorts (gnomAD); In silico analysis supports that this missense variant does not alter protein structure/function